The following is an entry in ClinVar:

NM_005565.5(LCP2):c.926+35C>G

Gene: LCP2 (lymphocyte cytosolic protein 2; minus strand). Cytogenetic location: 5q35.1.
Variant type: single nucleotide variant.
Coding change: c.926+35C>G on transcript NM_005565.5 (MANE Select); 35 bases into the intron after coding-DNA position 926, C replaced by G.
Molecular consequence: intron variant.
Genome position (GRCh38, 1-based): chr5:170,262,600, G>C on the plus strand (C>G on the coding strand, the complement: LCP2 is on the minus strand). VCF-style: chr5-170262600-G-C. GRCh37 (hg19) VCF-style: chr5-169689604-G-C.
Identifiers: ClinVar variation 2688075 (VCV002688075.2), dbSNP rs395407, ClinGen allele CA3555507.

ClinVar aggregate classification (germline): Benign (1 of 4 stars; one submission).

Allele frequency attached by ClinVar (database versions not stated): gnomAD exomes 0.86528; ESP Exome Variant Server 0.88957; ExAC 0.88998; TOPMed 0.89816; 1000 Genomes Project 30x 0.93036; 1000 Genomes Project 0.93271.
gnomAD v4.1: 1,322,323 of 1,522,876 alleles (87%); highest among the groups gnomAD compares: African/African-American, 96%; 575,165 homozygotes.

Submission:

Unidad de Genómica Garrahan, Hospital de Pediatría Garrahan
Classification: Benign. Last evaluated: 2024-01-24. Review status: criteria provided, single submitter. Criteria: ACMG Guidelines, 2015. Collection method: clinical testing. Allele origin: germline. Affected: no. Observed: 95 variant alleles.
Comment: This variant is classified as Benign based on local population frequency. This variant was detected in 100% of patients studied by a panel of primary immunodeficiencies. Number of patients: 95. Only high quality variants are reported.